The following is an entry in ClinVar:

ClinVar aggregate classification (germline): Uncertain significance (1 of 4 stars; one submission).

Conditions:
Hereditary breast ovarian cancer syndrome. Also called: BRCA1- and BRCA2-Associated Hereditary Breast and Ovarian Cancer; Hereditary breast and ovarian cancer; Hereditary breast and/or ovarian cancer syndrome; Hereditary breast and ovarian cancer syndrome; Hereditary breast and ovarian cancer syndrome (HBOC); Breast and ovarian cancer. Identifiers: Orphanet 145, MedGen C0677776, MeSH D061325, MONDO:0003582. Disease mechanism: loss of function.

Submission:

Labcorp Genetics (formerly Invitae), Labcorp
Classification: Uncertain significance for Hereditary breast ovarian cancer syndrome. Last evaluated: 2025-07-10. Review status: criteria provided, single submitter. Criteria: Invitae Variant Classification Sherloc (09022015). Collection method: clinical testing. Allele origin: germline.
Comment: This variant, c.9753_9754delinsTC, is a complex sequence change that results in the deletion of 2 and insertion of 2 amino acid(s) in the BRCA2 protein (p.Lys3251_Ser3252delinsAsnPro). Information on the frequency of this variant in the gnomAD database is not available, as this variant may be reported differently in the database. This variant has not been reported in the literature in individuals affected with BRCA2-related conditions. ClinVar contains an entry for this variant (Variation ID: 574149). Experimental studies and prediction algorithms are not available or were not evaluated, and the functional significance of this variant is currently unknown. In summary, the available evidence is currently insufficient to determine the role of this variant in disease. Therefore, it has been classified as a Variant of Uncertain Significance.

NM_000059.4(BRCA2):c.9753_9754delinsTC (p.Lys3251_Ser3252delinsAsnPro)

Gene: BRCA2 (BRCA2 DNA repair associated; plus strand). Cytogenetic location: 13q13.1.
Variant type: Indel.
Coding change: c.9753_9754delinsTC on transcript NM_000059.4 (MANE Select); coding-DNA positions 9753 to 9754, GT replaced by TC.
Protein change: p.Lys3251_Ser3252delinsAsnPro.
Molecular consequence: missense variant.
Genome position (GRCh38, 1-based): chr13:32,398,266-32,398,267, GT replaced by TC. VCF-style: chr13-32398266-GT-TC. GRCh37 (hg19) VCF-style: chr13-32972403-GT-TC.
Other names: c.9753_9754delGTinsTC (NM_000059.3).
Identifiers: ClinVar variation 574149 (VCV000574149.7), dbSNP rs1566260970, ClinGen allele CA891843584.